The following is an entry in ClinVar:

ClinVar aggregate classification (germline): Likely benign. Review status: criteria provided, multiple submitters, no conflicts (2 of 4 stars). 2 submissions from 2 submitters: Likely benign (2). Last evaluated 2026-01-05.

Allele frequency attached by ClinVar (database versions not stated): gnomAD exomes 0.00006; ExAC 0.00008.
gnomAD v4.1: 207 of 1,614,096 alleles (0.013%); highest among the groups gnomAD compares: Non-Finnish European, 0.017%; no homozygotes.

Submissions (2):

Labcorp Genetics (formerly Invitae), Labcorp
Classification: Likely benign. Last evaluated: 2026-01-05. Review status: criteria provided, single submitter. Criteria: Invitae Variant Classification Sherloc (09022015). Collection method: clinical testing. Allele origin: germline.

CeGaT Center for Human Genetics Tuebingen
Classification: Likely benign. Last evaluated: 2022-09-01. Review status: criteria provided, single submitter. Criteria: CeGaT Center For Human Genetics Tuebingen Variant Classification Criteria Version 2. Collection method: clinical testing. Allele origin: germline. Affected: yes. Observed: 1 variant allele.
Comment: C3: BP4, BP7

NM_000064.4(C3):c.4746C>T (p.Arg1582=)

Gene: C3 (complement C3; minus strand). Cytogenetic location: 19p13.3.
Variant type: single nucleotide variant.
Coding change: c.4746C>T on transcript NM_000064.4 (MANE Select); coding-DNA position 4746, C replaced by T.
Protein change: p.Arg1582=; no amino-acid change (arginine 1582 retained).
Molecular consequence: synonymous variant.
Genome position (GRCh38, 1-based): chr19:6,678,256, G>A on the plus strand (C>T on the coding strand, the complement: C3 is on the minus strand). VCF-style: chr19-6678256-G-A. GRCh37 (hg19) VCF-style: chr19-6678267-G-A.
Identifiers: ClinVar variation 1589047 (VCV001589047.32), dbSNP rs561663982, ClinGen allele CA9128268.
Genomic context (GRCh38, chr19:6,678,256, plus strand): 5'-GTAGTGTTTCTTCTCCTCCAGCTTCAGGGCTTCTCTGCACTTGATGGGGCTGATGAACGT[G>A]CGCTGCTGTCCAACCTGCACCTCATCCGAGCCTGGAGTGGAGGGGAGAGGGAAGAAGCTG-3'
Protein context (NP_000055.2, residues 1572-1592): GSDEVQVGQQ[Arg1582=]TFISPIKCRE